The following is an entry in ClinVar:

ClinVar aggregate classification (germline): Uncertain significance (1 of 4 stars; one submission).

Conditions:
SMPD1-related disorder. Also called: SMPD1-related condition.

Submission:

PreventionGenetics, part of Exact Sciences
Classification: Uncertain significance for SMPD1-related condition. Last evaluated: 2025-12-17. Review status: criteria provided, single submitter. Criteria: ACMG Guidelines, 2015. Collection method: clinical testing. Allele origin: germline.
Comment: The SMPD1 c.1002T>G variant is predicted to result in the amino acid substitution p.Ile334Met. To our knowledge, this variant has not been reported in the literature or in a large population database (gnomAD), indicating this variant is rare. At this time, the clinical significance of this variant is uncertain due to the absence of conclusive functional and genetic evidence.

NM_000543.5(SMPD1):c.1002T>G (p.Ile334Met)

Gene: SMPD1 (sphingomyelin phosphodiesterase 1; plus strand). Cytogenetic location: 11p15.4.
Variant type: single nucleotide variant.
Coding change: c.1002T>G on transcript NM_000543.5 (MANE Select); coding-DNA position 1002, T replaced by G.
Protein change: p.Ile334Met; replaces isoleucine 334 with methionine.
Molecular consequence: missense variant. On other transcripts: non-coding transcript variant (1).
Genome position (GRCh38, 1-based): chr11:6,392,067, T>G. VCF-style: chr11-6392067-T-G. GRCh37 (hg19) VCF-style: chr11-6413297-T-G.
Other names: c.999T>G, p.Ile333Met (NM_001007593.3); c.1002T>G, p.Ile334Met (NM_001318087.2, NM_001365135.2); c.41T>G, p.Leu14Trp (NM_001318088.2); short protein forms I334M, I333M, L14W.
Identifiers: ClinVar variation 4978115 (VCV004978115.1).